The following is an entry in ClinVar:

NM_006280.3(SSR4):c.262-3C>G

Gene: SSR4 (signal sequence receptor subunit 4; plus strand). Cytogenetic location: Xq28.
Variant type: single nucleotide variant.
Coding change: c.262-3C>G on transcript NM_006280.3 (MANE Select); 3 bases into the intron before coding-DNA position 262, C replaced by G.
Molecular consequence: intron variant.
Genome position (GRCh38, 1-based): chrX:153,797,722, C>G. VCF-style: chrX-153797722-C-G. GRCh37 (hg19) VCF-style: chrX-153063177-C-G.
Other names: c.262-3C>G (NM_001440796.1); c.343-3C>G (NM_001440795.1); c.286-3C>G (NM_001204527.2); c.295-3C>G (NM_001204526.2).
Identifiers: ClinVar variation 3234963 (VCV003234963.1), dbSNP rs2520529208, ClinGen allele CA2825002933.
Genomic context (GRCh38, chrX:153,797,722, plus strand): 5'-CTGGTGGTCAGGGTGGCCCCTCCGTGTCCACTCTGCCCACACTCTGCTCAACACCCAACC[C>G]AGGTGTCCTGGAGCCTGGACCACAAGAGCGCCCACGCAGGCACCTATGAGGTTAGATTCT-3'

ClinVar aggregate classification (germline): Uncertain significance (1 of 4 stars; one submission).

Conditions:
SSR4-congenital disorder of glycosylation. Also called: CDG IY; Congenital disorder of glycosylation type 1y; SSR4-CDG. Identifiers: Orphanet 370927, MedGen C4012395, MONDO:0010490, OMIM 300934.

Submission:

Neuberg Centre For Genomic Medicine, NCGM
Classification: Uncertain significance for SSR4-congenital disorder of glycosylation. Review status: criteria provided, single submitter. Criteria: ACMG Guidelines, 2015. Collection method: clinical testing. Allele origin: germline. Inheritance: X-linked recessive inheritance. Affected: yes.
Comment: The splice region variant, intron variant c.262-3C>G in SSR4 gene has not been reported previously as a pathogenic variant nor as a benign variant, to our knowledge. The c.262-3C>G variant is novel not in any individuals in gnomAD Exomes and 1000 Genomes. This splice region variant in intron 3 affects the position three nucleotides upstream of exon 4. For these reasons, this variant has been classified as Uncertain Significance.